The following is an entry in ClinVar:

ClinVar aggregate classification (germline): Pathogenic (1 of 4 stars; one submission).

Conditions:
Marfan syndrome (MFS). Also called: MARFAN SYNDROME, TYPE I; Marfan syndrome type 1; Marfan's syndrome; Marfan syndrome, classic; FBN1-Related Marfan Syndrome. Identifiers: Orphanet 284963, Orphanet 558, MedGen C0024796, MONDO:0007947, OMIM 154700.
Familial thoracic aortic aneurysm and aortic dissection (TAAD). Also called: Thoracic aortic aneurysms and dissections. Identifiers: Orphanet 91387, MedGen C4707243, MONDO:0019625.

Submission:

Labcorp Genetics (formerly Invitae), Labcorp
Classification: Pathogenic for Marfan syndrome; Familial thoracic aortic aneurysm and aortic dissection. Last evaluated: 2024-10-16. Review status: criteria provided, single submitter. Criteria: Invitae Variant Classification Sherloc (09022015). Collection method: clinical testing. Allele origin: germline.
Comment: This sequence change replaces cysteine, which is neutral and slightly polar, with tryptophan, which is neutral and slightly polar, at codon 67 of the FBN1 protein (p.Cys67Trp). This variant is not present in population databases (gnomAD no frequency). This variant has not been reported in the literature in individuals affected with FBN1-related conditions. Invitae Evidence Modeling of protein sequence and biophysical properties (such as structural, functional, and spatial information, amino acid conservation, physicochemical variation, residue mobility, and thermodynamic stability) indicates that this missense variant is expected to disrupt FBN1 protein function with a positive predictive value of 95%. This variant affects a cysteine residue in the EGF-like, TGFBP or hybrid motif domains of FBN1. Cysteine residues are believed to be involved in intramolecular disulfide bridges and have been shown to be important for FBN1 protein structure (PMID: 16905551, 19349279). In addition, missense substitutions affecting cysteine residues within these domains are significantly overrepresented among patients with Marfan syndrome (PMID: 16571647, 17701892). This variant disrupts the p.Cys68 amino acid residue in FBN1. Other variant(s) that disrupt this residue have been observed in individuals with FBN1-related conditions (PMID: 17657824, 17679947, 19293843), which suggests that this may be a clinically significant amino acid residue. For these reasons, this variant has been classified as Pathogenic.

Literature cited by the submitters: PubMed 16905551; PubMed 19349279; PubMed 16571647; PubMed 17701892; PubMed 17657824; PubMed 17679947; PubMed 19293843.

NM_000138.5(FBN1):c.201T>G (p.Cys67Trp)

Gene: FBN1 (fibrillin 1; minus strand). Cytogenetic location: 15q21.1.
Variant type: single nucleotide variant.
Coding change: c.201T>G on transcript NM_000138.5 (MANE Select); coding-DNA position 201, T replaced by G.
Protein change: p.Cys67Trp; replaces cysteine 67 with tryptophan.
Molecular consequence: missense variant.
Genome position (GRCh38, 1-based): chr15:48,613,056, A>C on the plus strand (T>G on the coding strand, the complement: FBN1 is on the minus strand). VCF-style: chr15-48613056-A-C. GRCh37 (hg19) VCF-style: chr15-48905253-A-C.
Other names: c.201T>G, p.Cys67Trp (NM_001406716.1, NM_001406717.1); short protein forms C67W.
Identifiers: ClinVar variation 3754095 (VCV003754095.2).